The following is an entry in ClinVar:

NM_007294.4(BRCA1):c.113A>T (p.Lys38Met)

Gene: BRCA1 (BRCA1 DNA repair associated; minus strand). Cytogenetic location: 17q21.31.
Variant type: single nucleotide variant.
Coding change: c.113A>T on transcript NM_007294.4 (MANE Select); coding-DNA position 113, A replaced by T.
Protein change: p.Lys38Met; replaces lysine 38 with methionine.
Molecular consequence: missense variant. On other transcripts: non-coding transcript variant (1), intron variant (1).
Genome position (GRCh38, 1-based): chr17:43,115,747, T>A on the plus strand (A>T on the coding strand, the complement: BRCA1 is on the minus strand). VCF-style: chr17-43115747-T-A. GRCh37 (hg19) VCF-style: chr17-41267764-T-A.
Other names: c.-76A>T (NM_001407571.1, NM_001407853.1, NM_001407879.1 and 52 more transcripts); c.113A>T, p.Lys38Met (NM_001407581.1, NM_001407582.1, NM_001407583.1 and 192 more transcripts); c.-29A>T (NM_001407737.1, NM_001407739.1, NM_001407740.1 and 47 more transcripts); c.-145A>T (NM_001407746.1, NM_001407749.1, NM_001407842.1 and 13 more transcripts); c.-25A>T (NM_001407841.1); c.-192A>T (NM_001407889.1, NM_001407900.1, NM_001408492.1); c.-191A>T (NM_001407960.1, NM_001407962.1, NM_001408510.1 and 1 more transcripts); c.-307A>T (NM_001407965.1); and 2 more; short protein forms K38M.
Identifiers: ClinVar variation 865133 (VCV000865133.4), dbSNP rs2055251821, ClinGen allele CA10601929.

ClinVar aggregate classification (germline): Uncertain significance (1 of 4 stars; one submission).

Conditions:
Hereditary breast ovarian cancer syndrome. Also called: Hereditary breast and/or ovarian cancer syndrome; BRCA1- and BRCA2-Associated Hereditary Breast and Ovarian Cancer; Hereditary breast and ovarian cancer syndrome; Hereditary breast and ovarian cancer; Hereditary breast and ovarian cancer syndrome (HBOC); Breast and ovarian cancer. Identifiers: Orphanet 145, MedGen C0677776, MeSH D061325, MONDO:0003582. Disease mechanism: loss of function.

Submissions (2):

Labcorp Genetics (formerly Invitae), Labcorp
Classification: Uncertain significance for Hereditary breast ovarian cancer syndrome. Last evaluated: 2025-10-09. Review status: criteria provided, single submitter. Criteria: Invitae Variant Classification Sherloc (09022015). Collection method: clinical testing. Allele origin: germline.
Comment: This sequence change replaces lysine, which is basic and polar, with methionine, which is neutral and non-polar, at codon 38 of the BRCA1 protein (p.Lys38Met). This variant is not present in population databases (gnomAD no frequency). This variant has not been reported in the literature in individuals affected with BRCA1-related conditions. ClinVar contains an entry for this variant (Variation ID: 865133). Invitae Evidence Modeling incorporating data from in vitro experimental studies (PMID: 30209399) indicates that this missense variant is not expected to disrupt BRCA1 function with a negative predictive value of 95%. In summary, the available evidence is currently insufficient to determine the role of this variant in disease. Therefore, it has been classified as a Variant of Uncertain Significance.

Brotman Baty Institute, University of Washington
No classification provided (evidence only). Condition: Breast-ovarian cancer, familial 1. Review status: no classification provided. Collection method: in vitro. Allele origin: not applicable. Functional consequence: functionally_normal. Not counted in ClinVar's aggregate classification.
ClinVar note: "not provided" was previously submitted as the classification for the variant. However, the classification appeared to be based only on an observation of functional data so it was converted to no classification on 2025-07-30.

Literature cited by the submitters: PubMed 30209399 (cited by Labcorp Genetics (formerly Invitae), Labcorp).